The following is an entry in ClinVar:

ClinVar aggregate classification (germline): Benign (0 of 4 stars; one submission).

Conditions:
MDN1-related disorder. Also called: MDN1-related condition.

Allele frequency attached by ClinVar (database versions not stated): gnomAD exomes 0.00135; ExAC 0.00464; gnomAD 0.01417; 1000 Genomes Project 30x 0.01499; 1000 Genomes Project 0.01538; TOPMed 0.01588; ESP Exome Variant Server 0.01646.
gnomAD v4.1: 4,223 of 1,611,936 alleles (0.26%); highest among the groups gnomAD compares: African/African-American, 4.5%; 88 homozygotes.

Submission:

PreventionGenetics, part of Exact Sciences
Classification: Benign for MDN1-related condition. Last evaluated: 2019-02-18. Review status: no assertion criteria provided. Collection method: clinical testing. Allele origin: germline.
Comment: This variant is classified as benign based on ACMG/AMP sequence variant interpretation guidelines (Richards et al. 2015 PMID: 25741868, with internal and published modifications).

NM_014611.3(MDN1):c.2432A>C (p.Glu811Ala)

Gene: MDN1 (midasin AAA ATPase 1; minus strand). Cytogenetic location: 6q15.
Variant type: single nucleotide variant.
Coding change: c.2432A>C on transcript NM_014611.3 (MANE Select); coding-DNA position 2432, A replaced by C.
Protein change: p.Glu811Ala; replaces glutamic acid 811 with alanine.
Molecular consequence: missense variant.
Genome position (GRCh38, 1-based): chr6:89,761,673, T>G on the plus strand (A>C on the coding strand, the complement: MDN1 is on the minus strand). VCF-style: chr6-89761673-T-G. GRCh37 (hg19) VCF-style: chr6-90471392-T-G.
Other names: short protein forms E811A.
Identifiers: ClinVar variation 3039716 (VCV003039716.2), dbSNP rs116676252, ClinGen allele CA3925652.